The following is an entry in ClinVar:

ClinVar aggregate classification (germline): Pathogenic. Review status: criteria provided, multiple submitters, no conflicts (2 of 4 stars). 2 submissions from 2 submitters: Pathogenic (2). Last evaluated 2023-02-27.

Conditions:
Gorlin syndrome. Also called: Nevoid Basal Cell Carcinoma Syndrome; Basal cell nevus syndrome. Identifiers: Orphanet 377, MedGen C0004779, MONDO:0007187.
Hereditary cancer-predisposing syndrome. Also called: Neoplastic Syndromes, Hereditary; Tumor predisposition; Hereditary neoplastic syndrome; Hereditary Cancer Syndrome. Identifiers: Orphanet 140162, MedGen C0027672, MeSH D009386, MONDO:0015356.

Submissions (2):

Labcorp Genetics (formerly Invitae), Labcorp
Classification: Pathogenic for Gorlin syndrome. Last evaluated: 2023-02-27. Review status: criteria provided, single submitter. Criteria: Invitae Variant Classification Sherloc (09022015). Collection method: clinical testing. Allele origin: germline.
Comment: For these reasons, this variant has been classified as Pathogenic. ClinVar contains an entry for this variant (Variation ID: 1750669). This variant has not been reported in the literature in individuals affected with PTCH1-related conditions. This variant is not present in population databases (gnomAD no frequency). This sequence change creates a premature translational stop signal (p.Lys198Asnfs*22) in the PTCH1 gene. It is expected to result in an absent or disrupted protein product. Loss-of-function variants in PTCH1 are known to be pathogenic (PMID: 16301862, 16419085).

Ambry Genetics
Classification: Pathogenic for Hereditary cancer-predisposing syndrome. Last evaluated: 2022-06-13. Review status: criteria provided, single submitter. Criteria: Ambry Variant Classification Scheme 2023. Collection method: clinical testing. Allele origin: germline.
Comment: The c.594delA variant, located in coding exon 4 of the PTCH1 gene, results from a deletion of one nucleotide at nucleotide position 594, causing a translational frameshift with a predicted alternate stop codon (p.K198Nfs*22). This alteration is expected to result in loss of function by premature protein truncation or nonsense-mediated mRNA decay. As such, this alteration is interpreted as a disease-causing mutation.

Literature cited by the submitters: PubMed 16301862 (cited by Labcorp Genetics (formerly Invitae), Labcorp); PubMed 16419085 (cited by Labcorp Genetics (formerly Invitae), Labcorp).

NM_000264.5(PTCH1):c.594del (p.Lys198fs)

Gene: PTCH1 (patched 1; minus strand). Cytogenetic location: 9q22.32.
Variant type: Deletion.
Coding change: c.594del on transcript NM_000264.5 (MANE Select); coding-DNA position 594, one base deleted (A; older notation c.594delA).
Protein change: p.Lys198fs; shifts the reading frame from lysine 198.
Molecular consequence: frameshift variant. On other transcripts: non-coding transcript variant (1).
Genome position (GRCh38, 1-based): chr9:95,482,194, T deleted on the plus strand (A on the coding strand, the reverse complement: PTCH1 is on the minus strand); the first of 3 consecutive T bases (chr9:95,482,194-95,482,196); deleting any one gives the same sequence. VCF-style (leftmost placement, unchanged base first): chr9-95482193-AT-A. GRCh37 (hg19) VCF-style: chr9-98244475-AT-A.
Other names: c.594delA (NM_000264.3); c.396del, p.Lys132fs (NM_001083602.3, NM_001354919.2); c.591del, p.Lys197fs (NM_001083603.3); c.141del, p.Lys47fs (NM_001083604.3, NM_001083605.3, NM_001083606.3 and 1 more transcripts); c.594del, p.Lys198fs (NM_001354918.2); short protein forms K132fs, K197fs, K47fs, K198fs.
Identifiers: ClinVar variation 1750669 (VCV001750669.5), dbSNP rs2538247904, ClinGen allele CA2580080912.